The following is an entry in ClinVar:

NM_194248.3(OTOF):c.5196C>T (p.Tyr1732=)

Gene: OTOF (otoferlin; minus strand). Cytogenetic location: 2p23.3.
Variant type: single nucleotide variant.
Coding change: c.5196C>T on transcript NM_194248.3 (MANE Select); coding-DNA position 5196, C replaced by T.
Protein change: p.Tyr1732=; no amino-acid change (tyrosine 1732 retained).
Molecular consequence: synonymous variant.
Genome position (GRCh38, 1-based): chr2:26,462,178, G>A on the plus strand (C>T on the coding strand, the complement: OTOF is on the minus strand). VCF-style: chr2-26462178-G-A. GRCh37 (hg19) VCF-style: chr2-26685046-G-A.
Other names: c.5196C>T, p.Tyr1732= (NM_001287489.2); c.2895C>T, p.Tyr965= (NM_004802.4, NM_194323.3); c.3126C>T, p.Tyr1042= (NM_194322.3).
Identifiers: ClinVar variation 667140 (VCV000667140.8), dbSNP rs138681366, ClinGen allele CA1562892.

ClinVar aggregate classification (germline): Benign/Likely benign. Review status: criteria provided, multiple submitters, no conflicts (2 of 4 stars). 3 submissions from 3 submitters: Benign (1); Likely benign (2). Last evaluated 2025-12-03.

Allele frequency attached by ClinVar (database versions not stated): gnomAD exomes 0.00002 and 0.00005; ExAC 0.00007; gnomAD 0.00016 and 0.00019; TOPMed 0.00018; 1000 Genomes Project 30x 0.00031; ESP Exome Variant Server 0.00038; 1000 Genomes Project 0.00040.
gnomAD v4.1: 55 of 1,613,696 alleles (0.0034%); highest among the groups gnomAD compares: African/African-American, 0.061%; no homozygotes.

Submissions (3):

Labcorp Genetics (formerly Invitae), Labcorp
Classification: Benign. Last evaluated: 2025-12-03. Review status: criteria provided, single submitter. Criteria: Invitae Variant Classification Sherloc (09022015). Collection method: clinical testing. Allele origin: germline.

Blueprint Genetics
Classification: Likely benign. Last evaluated: 2024-06-14. Review status: criteria provided, single submitter. Criteria: ACMG Guidelines, 2015. Collection method: clinical testing. Allele origin: germline.

Laboratory for Molecular Medicine, Mass General Brigham Personalized Medicine
Classification: Likely benign. Last evaluated: 2012-04-30. Review status: criteria provided, single submitter. Criteria: LMM Criteria. Collection method: clinical testing. Allele origin: germline. Observed: 1 variant allele.
Comment: Tyr1732Tyr in Exon 42 of OTOF: This variant is not expected to have clinical sig nificance because it does not alter an amino acid residue, is not located within the splice consensus sequence, and has been identified in 0.1% (2/3738) of Afri can American chromosomes from a broad population by the NHLBI Exome Sequencing P roject (dbSNP rs138681366).